The following is an entry in ClinVar:

ClinVar aggregate classification (germline): Uncertain significance (1 of 4 stars; one submission).

Conditions:
Jeune thoracic dystrophy. Also called: Short-rib thoracic dysplasia; Jeune syndrome; Infantile thoracic dystrophy; Thoracic pelvic phalangeal dystrophy; Jeune's syndrome; Chondroectodermal dysplasia-like syndrome. Identifiers: Orphanet 474, MedGen C0265275, MONDO:0018770.

Allele frequency attached by ClinVar (database versions not stated): gnomAD exomes 0.00001 and 0.00002; ExAC 0.00002; TOPMed 0.00002; gnomAD 0.00003.
gnomAD v4.1: 28 of 1,587,936 alleles (0.0018%); highest among the groups gnomAD compares: Middle Eastern, 0.018%; no homozygotes.

Submission:

Labcorp Genetics (formerly Invitae), Labcorp
Classification: Uncertain significance for Jeune thoracic dystrophy. Last evaluated: 2022-02-09. Review status: criteria provided, single submitter. Criteria: Invitae Variant Classification Sherloc (09022015). Collection method: clinical testing. Allele origin: germline.
Comment: This sequence change falls in intron 81 of the DYNC2H1 gene. It does not directly change the encoded amino acid sequence of the DYNC2H1 protein. This variant is present in population databases (rs746481743, gnomAD 0.004%). This variant has not been reported in the literature in individuals affected with DYNC2H1-related conditions. Algorithms developed to predict the effect of sequence changes on RNA splicing suggest that this variant may disrupt the consensus splice site. In summary, the available evidence is currently insufficient to determine the role of this variant in disease. Therefore, it has been classified as a Variant of Uncertain Significance.

NM_001377.3(DYNC2H1):c.11726-7A>G

Gene: DYNC2H1 (dynein cytoplasmic 2 heavy chain 1; plus strand). Cytogenetic location: 11q22.3.
Variant type: single nucleotide variant.
Coding change: c.11726-7A>G on transcript NM_001377.3 (MANE Select); 7 bases into the intron before coding-DNA position 11726, A replaced by G.
Molecular consequence: intron variant.
Genome position (GRCh38, 1-based): chr11:103,321,022, A>G. VCF-style: chr11-103321022-A-G. GRCh37 (hg19) VCF-style: chr11-103191751-A-G.
Other names: c.11747-7A>G (NM_001080463.2).
Identifiers: ClinVar variation 1438316 (VCV001438316.4), dbSNP rs746481743, ClinGen allele CA6255366.
Genomic context (GRCh38, chr11:103,321,022, plus strand): 5'-AACTCAAGGCAGGAATTTAGTTAATATTTTAGAAATGAAATTAATGAGTGTTTTTTTAAA[A>G]TTATAGGTGCCAAAGATGTACAATGGGAATTTGTACATGGTTTACTTGAAAATGCTATTT-3'